The following is an entry in ClinVar:

ClinVar aggregate classification (germline): Uncertain significance (1 of 4 stars; one submission).

gnomAD v4.1: 6 of 1,613,672 alleles (0.00037%); highest among the groups gnomAD compares: African/African-American, 0.0013%; no homozygotes.

Submission:

Women's Health and Genetics/Laboratory Corporation of America, LabCorp
Classification: Uncertain significance. Last evaluated: 2025-05-30. Review status: criteria provided, single submitter. Criteria: LabCorp Variant Classification Summary - May 2015. Collection method: clinical testing. Allele origin: germline.
Comment: Variant summary: TNRC6B c.2302C>T (p.Pro768Ser) results in a non-conservative amino acid change in the encoded protein sequence. Algorithms developed to predict the effect of missense changes on protein structure and function are either unavailable or do not agree on the potential impact of this missense change. The variant allele was found at a frequency of 4e-06 in 248786 control chromosomes. The available data on variant occurrences in the general population are insufficient to allow any conclusion about variant significance. To our knowledge, no occurrence of c.2302C>T in individuals affected with Global Developmental Delay With Speech And Behavioral Abnormalities and no experimental evidence demonstrating its impact on protein function have been reported. No submitters have cited clinical-significance assessments for this variant to ClinVar. Based on the evidence outlined above, the variant was classified as uncertain significance.

NM_001162501.2(TNRC6B):c.2302C>T (p.Pro768Ser)

Gene: TNRC6B (trinucleotide repeat containing adaptor 6B; plus strand). Cytogenetic location: 22q13.1.
Variant type: single nucleotide variant.
Coding change: c.2302C>T on transcript NM_001162501.2 (MANE Select); coding-DNA position 2302, C replaced by T.
Protein change: p.Pro768Ser; replaces proline 768 with serine.
Molecular consequence: missense variant. On other transcripts: intron variant (1).
Genome position (GRCh38, 1-based): chr22:40,266,532, C>T. VCF-style: chr22-40266532-C-T. GRCh37 (hg19) VCF-style: chr22-40662536-C-T.
Other names: c.2302C>T, p.Pro768Ser (NM_015088.3); c.566-3590C>T (NM_001024843.2); short protein forms P768S.
Identifiers: ClinVar variation 3902756 (VCV003902756.1).